The following is an entry in ClinVar:

NM_004839.4(HOMER2):c.732G>A (p.Glu244=)

Gene: HOMER2 (homer scaffold protein 2; minus strand). Cytogenetic location: 15q25.2.
Variant type: single nucleotide variant.
Coding change: c.732G>A on transcript NM_004839.4 (MANE Select); coding-DNA position 732, G replaced by A.
Protein change: p.Glu244=; no amino-acid change (glutamic acid 244 retained).
Molecular consequence: synonymous variant.
Genome position (GRCh38, 1-based): chr15:82,852,172, C>T on the plus strand (G>A on the coding strand, the complement: HOMER2 is on the minus strand). VCF-style: chr15-82852172-C-T. GRCh37 (hg19) VCF-style: chr15-83520924-C-T.
Other names: c.765G>A, p.Glu255= (NM_199330.3).
Identifiers: ClinVar variation 3038734 (VCV003038734.2), dbSNP rs200675187, ClinGen allele CA7702028.
Genomic context (GRCh38, chr15:82,852,172, plus strand): 5'-AGGGGCCCTGCTCGGAGCACCATTACTCACTGTCTCCTTTTCTCGGAGCTCTGCCTCCAG[C>T]TCCTCGATCCTCCTCTTCAGCTGCGTGTTCTTCTCCTTCTCTCTGTTGATCTCACTGCAT-3'
Protein context (NP_004830.2, residues 234-254): KNTQLKRRIE[Glu244=]LEAELREKET

ClinVar aggregate classification (germline): Likely benign (0 of 4 stars; one submission).

Conditions:
HOMER2-related disorder. Also called: HOMER2-related condition.

Allele frequency attached by ClinVar (database versions not stated): ExAC 0.00007; gnomAD 0.00007; TOPMed 0.00007; ESP Exome Variant Server 0.00008; 1000 Genomes Project 30x 0.00016; 1000 Genomes Project 0.00020; gnomAD exomes 0.00020.
gnomAD v4.1: 301 of 1,613,872 alleles (0.019%); highest among the groups gnomAD compares: Non-Finnish European, 0.025%; no homozygotes.

Submission:

PreventionGenetics, part of Exact Sciences
Classification: Likely benign for HOMER2-related condition. Last evaluated: 2023-12-26. Review status: no assertion criteria provided. Collection method: clinical testing. Allele origin: germline.
Comment: This variant is classified as likely benign based on ACMG/AMP sequence variant interpretation guidelines (Richards et al. 2015 PMID: 25741868, with internal and published modifications).